The following is an entry in ClinVar:

NM_000093.5(COL5A1):c.3398G>A (p.Arg1133Gln)

Gene: COL5A1 (collagen type V alpha 1 chain; plus strand). Cytogenetic location: 9q34.3.
Variant type: single nucleotide variant.
Coding change: c.3398G>A on transcript NM_000093.5 (MANE Select); coding-DNA position 3398, G replaced by A.
Protein change: p.Arg1133Gln; replaces arginine 1133 with glutamine.
Molecular consequence: missense variant.
Genome position (GRCh38, 1-based): chr9:134,809,214, G>A. VCF-style: chr9-134809214-G-A. GRCh37 (hg19) VCF-style: chr9-137701060-G-A.
Other names: c.3398G>A, p.Arg1133Gln (NM_001278074.1); short protein forms R1133Q.
Identifiers: ClinVar variation 459674 (VCV000459674.58), dbSNP rs759580799, ClinGen allele CA5319849.

ClinVar aggregate classification (germline): Conflicting classifications of pathogenicity. Review status: criteria provided, conflicting classifications (1 of 4 stars). 8 submissions from 8 submitters: Uncertain significance (4); Benign (1); Likely benign (2). 1 of the submissions does not count toward it. Last evaluated 2026-09-01.

Conditions:
Ehlers-Danlos syndrome, classic type, 1 (EDSCL1). Also called: EDS I; EHLERS-DANLOS SYNDROME, GRAVIS TYPE; EHLERS-DANLOS SYNDROME, SEVERE CLASSIC TYPE; Ehlers-Danlos syndrome, type 1; Ehlers-Danlos Syndrome, Classic Type, COL5A1-Related. Identifiers: MedGen C0268335, MONDO:0019567, OMIM 130000.
COL5A1-related disorder. Also called: COL5A1-related condition.
Ehlers-Danlos syndrome, classic type (cEDS). Identifiers: Orphanet 287, MedGen C4225429, MONDO:0007522.
Familial thoracic aortic aneurysm and aortic dissection (TAAD). Also called: Thoracic aortic aneurysms and dissections. Identifiers: Orphanet 91387, MedGen C4707243, MONDO:0019625.

Allele frequency attached by ClinVar (database versions not stated): TOPMed 0.00003; gnomAD 0.00005; gnomAD exomes 0.00006; ExAC 0.00007.
gnomAD v4.1: 90 of 1,599,424 alleles (0.0056%); highest among the groups gnomAD compares: Non-Finnish European, 0.0062%; no homozygotes.

Submissions (8):

CeGaT Center for Human Genetics Tuebingen
Classification: Likely benign. Last evaluated: 2026-09-01. Review status: criteria provided, single submitter. Criteria: CeGaT Center For Human Genetics Tuebingen Variant Classification Criteria Version 2. Collection method: clinical testing. Allele origin: germline. Affected: yes. Observed: 2 variant alleles.
Comment: COL5A1: BS1

Labcorp Genetics (formerly Invitae), Labcorp
Classification: Benign for Ehlers-Danlos syndrome, classic type, 1. Last evaluated: 2026-02-03. Review status: criteria provided, single submitter. Criteria: Invitae Variant Classification Sherloc (09022015). Collection method: clinical testing. Allele origin: germline.

Women's Health and Genetics/Laboratory Corporation of America, LabCorp
Classification: Likely benign. Last evaluated: 2026-01-27. Review status: criteria provided, single submitter. Criteria: LabCorp Variant Classification Summary - May 2015. Collection method: clinical testing. Allele origin: germline.
Comment: Variant summary: COL5A1 c.3398G>A (p.Arg1133Gln) results in a conservative amino acid change in the encoded protein sequence. Algorithms developed to predict the effect of missense changes on protein structure and function are either unavailable or do not agree on the potential impact of this missense change. The variant allele was found at a frequency of 5.9e-05 in 218720 control chromosomes. The observed variant frequency exceeds the estimated maximal expected allele frequency for disease-causing variants in COL5A1. c.3398G>A has been observed in individuals affected with Ehlers-Danlos Syndrome, Classic Type, 1 pr Aortic Dissection without clear evidence for causality (Junkiert-Czarnecka_2022, Chen_2021). These report(s) do not provide unequivocal conclusions about association of the variant with Ehlers-Danlos Syndrome, Classic Type, 1. To our knowledge, no experimental evidence demonstrating an impact on protein function has been reported. The following publications have been ascertained in the context of this evaluation (PMID: 34041919, 35723357). ClinVar contains an entry for this variant (Variation ID: 459674). Based on the evidence outlined above, the variant was classified as likely benign.

Ambry Genetics
Classification: Uncertain significance for Familial thoracic aortic aneurysm and aortic dissection. Last evaluated: 2024-05-24. Review status: criteria provided, single submitter. Criteria: Ambry Variant Classification Scheme 2023. Collection method: clinical testing. Allele origin: germline.
Comment: The p.R1133Q variant (also known as c.3398G>A), located in coding exon 43 of the COL5A1 gene, results from a G to A substitution at nucleotide position 3398. The arginine at codon 1133 is replaced by glutamine, an amino acid with highly similar properties. This variant has been reported in association with aortic dissection and Ehlers-Danlos syndrome (Li Z et al. Sci China Life Sci, 2017 Jan;60:57-65; Chen P et al. J Am Heart Assoc, 2021 Jun;10:e019276; Junkiert-Czarnecka A et al. Curr Issues Mol Biol, 2022 Mar;44:1472-1478). This amino acid position is highly conserved in available vertebrate species. In addition, the in silico prediction for this alteration is inconclusive. Based on the available evidence, the clinical significance of this variant remains unclear.

PreventionGenetics, part of Exact Sciences
Classification: Uncertain significance for COL5A1-related condition. Last evaluated: 2023-08-10. Review status: criteria provided, single submitter. Criteria: ACMG Guidelines, 2015. Collection method: clinical testing. Allele origin: germline.
Comment: The COL5A1 c.3398G>A variant is predicted to result in the amino acid substitution p.Arg1133Gln. This variant was reported in an individual with Ehlers-Danlos syndrome (Table 2 in Junkiert-Czarnecka et al 2022. PubMed ID: 35723357) and in an individual with aortic dissection (Table 1 in Chen P et al 2021. PubMed ID: 34041919). This variant is reported in 0.027% of alleles in individuals of European (Finnish) descent in gnomAD. Although we suspect that this variant may be benign, at this time, the clinical significance of this variant is uncertain due to the absence of conclusive functional and genetic evidence.

GeneDx
Classification: Uncertain significance. Last evaluated: 2019-02-25. Review status: criteria provided, single submitter. Criteria: GeneDx Variant Classification Process June 2021. Collection method: clinical testing. Allele origin: germline. Affected: yes.
Comment: Located in the the triple-helical region, in the X position of Gly-X-Y repeat (Symoens et al., 2012; Stenson et al., 2014); In silico analysis, which includes protein predictors and evolutionary conservation, supports that this variant does not alter protein structure/function; Reported as a variant of uncertain significance in ClinVar but additional evidence is not available (SCV000631493.1; Landrum et al., 2016); This variant is associated with the following publications: (PMID: 27975164)

Fulgent Genetics
Classification: Uncertain significance for Ehlers-Danlos syndrome, classic type, 1. Last evaluated: 2018-10-31. Review status: criteria provided, single submitter. Criteria: ACMG Guidelines, 2015. Collection method: clinical testing. Allele origin: unknown.

ClinVar Staff, National Center for Biotechnology Information (NCBI)
No classification provided. Condition: Ehlers-Danlos syndrome, classic type, 1. Review status: no classification provided. Collection method: literature only. Allele origin: germline. Affected: yes. Not counted in ClinVar's aggregate classification.

Literature cited by the submitters: PubMed 35723357 (cited by 3 submitters); PubMed 34041919 (cited by Women's Health and Genetics/Laboratory Corporation of America, LabCorp and Ambry Genetics); PubMed 27975164 (cited by Ambry Genetics).